The following is an entry in ClinVar:

ClinVar aggregate classification (germline): Benign/Likely benign. Review status: criteria provided, multiple submitters, no conflicts (2 of 4 stars). 3 submissions from 3 submitters: Benign (1); Likely benign (2). Last evaluated 2026-01-16.

Allele frequency attached by ClinVar (database versions not stated): gnomAD 0.00019; gnomAD exomes 0.00025 and 0.00029; TOPMed 0.00030; ESP Exome Variant Server 0.00038; ExAC 0.00040.
gnomAD v4.1: 445 of 1,614,106 alleles (0.028%); highest among the groups gnomAD compares: Non-Finnish European, 0.035%; 1 homozygote.

Submissions (3):

Labcorp Genetics (formerly Invitae), Labcorp
Classification: Benign. Last evaluated: 2026-01-16. Review status: criteria provided, single submitter. Criteria: Invitae Variant Classification Sherloc (09022015). Collection method: clinical testing. Allele origin: germline.

Blueprint Genetics
Classification: Likely benign. Last evaluated: 2024-09-19. Review status: criteria provided, single submitter. Criteria: ACMG Guidelines, 2015. Collection method: clinical testing. Allele origin: germline.

CeGaT Center for Human Genetics Tuebingen
Classification: Likely benign. Last evaluated: 2024-01-01. Review status: criteria provided, single submitter. Criteria: CeGaT Center For Human Genetics Tuebingen Variant Classification Criteria Version 2. Collection method: clinical testing. Allele origin: germline. Affected: yes. Observed: 3 variant alleles.
Comment: KMT2A: BS1

NM_001197104.2(KMT2A):c.8965G>A (p.Glu2989Lys)

Gene: KMT2A (lysine methyltransferase 2A; plus strand). Cytogenetic location: 11q23.3.
Variant type: single nucleotide variant.
Coding change: c.8965G>A on transcript NM_001197104.2 (MANE Select); coding-DNA position 8965, G replaced by A.
Protein change: p.Glu2989Lys; replaces glutamic acid 2989 with lysine.
Molecular consequence: missense variant.
Genome position (GRCh38, 1-based): chr11:118,504,857, G>A. VCF-style: chr11-118504857-G-A. GRCh37 (hg19) VCF-style: chr11-118375572-G-A.
Other names: c.8956G>A, p.Glu2986Lys (NM_005933.4); short protein forms E2989K, E2986K.
Identifiers: ClinVar variation 444273 (VCV000444273.49), dbSNP rs143843795, ClinGen allele CA6304540.